The following is an entry in ClinVar:

ClinVar aggregate classification (germline): Likely benign (1 of 4 stars; one submission).

Allele frequency attached by ClinVar (database versions not stated): 1000 Genomes Project 30x 0.00375; 1000 Genomes Project 0.00459; gnomAD 0.00572; TOPMed 0.00578; ExAC 0.00623; ESP Exome Variant Server 0.00700; gnomAD exomes 0.00729.
gnomAD v4.1: 11,567 of 1,613,392 alleles (0.72%); highest among the groups gnomAD compares: Middle Eastern, 1.2%; 57 homozygotes.

Submission:

CeGaT Center for Human Genetics Tuebingen
Classification: Likely benign. Last evaluated: 2023-05-01. Review status: criteria provided, single submitter. Criteria: CeGaT Center For Human Genetics Tuebingen Variant Classification Criteria Version 2. Collection method: clinical testing. Allele origin: germline. Affected: yes. Observed: 2 variant alleles.
Comment: LIMCH1: BP4, BS2

NM_001330672.2(LIMCH1):c.3952C>T (p.Pro1318Ser)

Genes: LIMCH1 (LIM and calponin homology domains 1; plus strand), LIMCH1-AS1 (LIMCH1 antisense RNA 1; minus strand). Cytogenetic location: 4p13.
Variant type: single nucleotide variant.
Coding change: c.3952C>T on transcript NM_001330672.2 (MANE Select); coding-DNA position 3952, C replaced by T.
Protein change: p.Pro1318Ser; replaces proline 1318 with serine.
Molecular consequence: missense variant.
Genome position (GRCh38, 1-based): chr4:41,684,503, C>T. VCF-style: chr4-41684503-C-T. GRCh37 (hg19) VCF-style: chr4-41686520-C-T.
Other names: c.2800C>T, p.Pro934Ser (NM_001112717.4, NM_014988.5); c.2797C>T, p.Pro933Ser (NM_001112718.4, NM_001330787.2, NM_001330790.2); c.2335C>T, p.Pro779Ser (NM_001112719.4, NM_001330793.2, NM_001330983.1); c.2299C>T, p.Pro767Ser (NM_001112720.4, NM_001330674.2); c.2836C>T, p.Pro946Ser (NM_001289122.3); c.2359C>T, p.Pro787Ser (NM_001289124.2); c.2569C>T, p.Pro857Ser (NM_001330784.2); c.2320C>T, p.Pro774Ser (NM_001330786.2); and 3 more; short protein forms P1318S, P767S, P774S, P779S, P780S, P787S, P857S, P906S.
Identifiers: ClinVar variation 2654743 (VCV002654743.24), dbSNP rs61745963, ClinGen allele CA2901184.
Genomic context (GRCh38, chr4:41,684,503, plus strand): 5'-GGAGTCCATGAAGACCATCAGCTGGATACCGAGGCTGGGGCCCCACACTGTGGAACAAAC[C>T]CACAGCTTGCTCAGGGTAAGAATGGAGAAGACCAGTTTCATTCAATGTTTAAATTGTTGT-3'
Protein context (NP_001317601.1, residues 1308-1328): EAGAPHCGTN[Pro1318Ser]QLAQDPSQNQ